The following is an entry in ClinVar:

ClinVar aggregate classification (germline): Uncertain significance. Review status: criteria provided, multiple submitters, no conflicts (2 of 4 stars). 2 submissions from 2 submitters: Uncertain significance (2). Last evaluated 2023-10-18.

Conditions:
Charcot-Marie-Tooth disease type 2. Also called: Charcot-Marie-Tooth type 2. Identifiers: Orphanet 64746, MedGen C0270914, MONDO:0018993.

Submissions (2):

Labcorp Genetics (formerly Invitae), Labcorp
Classification: Uncertain significance for Charcot-Marie-Tooth disease type 2. Last evaluated: 2023-10-18. Review status: criteria provided, single submitter. Criteria: Invitae Variant Classification Sherloc (09022015). Collection method: clinical testing. Allele origin: germline.
Comment: This sequence change replaces lysine, which is basic and polar, with asparagine, which is neutral and polar, at codon 78 of the LMNA protein (p.Lys78Asn). This variant is not present in population databases (gnomAD no frequency). This missense change has been observed in individual(s) with clinical features of LMNA-related conditions (PMID: 27884249, 36548481). ClinVar contains an entry for this variant (Variation ID: 179669). Advanced modeling of protein sequence and biophysical properties (such as structural, functional, and spatial information, amino acid conservation, physicochemical variation, residue mobility, and thermodynamic stability) performed at Invitae indicates that this missense variant is expected to disrupt LMNA protein function. In summary, the available evidence is currently insufficient to determine the role of this variant in disease. Therefore, it has been classified as a Variant of Uncertain Significance.

Laboratory for Molecular Medicine, Mass General Brigham Personalized Medicine
Classification: Uncertain significance. Last evaluated: 2014-04-04. Review status: criteria provided, single submitter. Criteria: LMM Criteria. Collection method: clinical testing. Allele origin: germline. Observed: 1 variant allele.
Comment: Com putational prediction tools and conservation analysis suggest that the variant m ay impact the protein, though this information is not predictive enough to deter mine pathogenicity. In summary, the clinical significance of this variant is unc ertain. ACMG/AMP Criteria applied: PM2, PP3, PP4.

Literature cited by the submitters: PubMed 27884249 (cited by Labcorp Genetics (formerly Invitae), Labcorp and Laboratory for Molecular Medicine, Mass General Brigham Personalized Medicine); PubMed 36548481 (cited by Labcorp Genetics (formerly Invitae), Labcorp).

NM_170707.4(LMNA):c.234G>C (p.Lys78Asn)

Gene: LMNA (lamin A/C; plus strand). Cytogenetic location: 1q22.
Variant type: single nucleotide variant.
Coding change: c.234G>C on transcript NM_170707.4 (MANE Select); coding-DNA position 234, G replaced by C.
Protein change: p.Lys78Asn; replaces lysine 78 with asparagine.
Molecular consequence: missense variant.
Genome position (GRCh38, 1-based): chr1:156,115,152, G>C. VCF-style: chr1-156115152-G-C. GRCh37 (hg19) VCF-style: chr1-156084943-G-C.
Other names: c.234G>C, p.Lys78Asn (NM_001282625.2, NM_001282626.2, NM_005572.4 and 1 more transcripts); short protein forms K78N.
Identifiers: ClinVar variation 179669 (VCV000179669.7), dbSNP rs727505038, ClinGen allele CA017788.